The following is an entry in ClinVar:

NM_020461.4(TUBGCP6):c.4351_4377del (p.Leu1451_Val1459del)

Gene: TUBGCP6 (tubulin gamma complex component 6; minus strand). Cytogenetic location: 22q13.33.
Variant type: Deletion.
Coding change: c.4351_4377del on transcript NM_020461.4 (MANE Select); coding-DNA positions 4351 to 4377, 27 bases deleted (CTTCCCCGGGCCTTCGCCTTCCCCGTG).
Protein change: p.Leu1451_Val1459del.
Genome position (GRCh38, 1-based): chr22:50,219,395-50,219,421, CACGGGGAAGGCGAAGGCCCGGGGAAG deleted on the plus strand (CTTCCCCGGGCCTTCGCCTTCCCCGTG on the coding strand, the reverse complement: TUBGCP6 is on the minus strand); deleting any 27 consecutive bases within chr22:50,219,395-50,219,428 gives the same sequence; the c. name uses the placement nearest the transcript's 3' end. VCF-style (leftmost placement, unchanged base first): chr22-50219394-CCACGGGGAAGGCGAAGGCCCGGGGAAG-C. GRCh37 (hg19) VCF-style: chr22-50657823-CCACGGGGAAGGCGAAGGCCCGGGGAAG-C.
Identifiers: ClinVar variation 4768871 (VCV004768871.1).
Genomic context (GRCh38, chr22:50,219,394, plus strand): 5'-GCGTCAGCAACTCGCTCAGCTGCACAGCAGTCTCATCAGCGGCAGACTGGACCTGGGGGT[CCACGGGGAAGGCGAAGGCCCGGGGAAG>C]CACGGGGCGCAAAAGATGAGCAATGGGCGGCTCGGCTGCGGGAGATGGAGCACGCACGTG-3'

ClinVar aggregate classification (germline): Uncertain significance (1 of 4 stars; one submission).

Submission:

Labcorp Genetics (formerly Invitae), Labcorp
Classification: Uncertain significance. Last evaluated: 2025-02-15. Review status: criteria provided, single submitter. Criteria: Invitae Variant Classification Sherloc (09022015). Collection method: clinical testing. Allele origin: germline.
Comment: This variant, c.4351_4377del, results in the deletion of 9 amino acid(s) of the TUBGCP6 protein (p.Leu1451_Val1459del), but otherwise preserves the integrity of the reading frame. This variant is not present in population databases (gnomAD no frequency). This variant has not been reported in the literature in individuals affected with TUBGCP6-related conditions. Experimental studies and prediction algorithms are not available or were not evaluated, and the functional significance of this variant is currently unknown. In summary, the available evidence is currently insufficient to determine the role of this variant in disease. Therefore, it has been classified as a Variant of Uncertain Significance.